The following is an entry in ClinVar:

ClinVar aggregate classification (germline): Pathogenic. Review status: criteria provided, multiple submitters, no conflicts (2 of 4 stars). 2 submissions from 2 submitters: Pathogenic (2). Last evaluated 2024-01-27.

Conditions:
Cardiac anomalies - developmental delay - facial dysmorphism syndrome (MRFACD). Also called: Impaired intellectual development and distinctive facial features with or without cardiac defects; MED13L Syndrome. Identifiers: Orphanet 369891, MedGen C5192431, MONDO:0014773, OMIM 616789.
Dextro-looped transposition of the great arteries. Also called: Dextrotransposition of the great arteries. Identifiers: Orphanet 860, MedGen C3531771, MONDO:0019443, OMIM 608808, HP:0031348.

Submissions (2):

Labcorp Genetics (formerly Invitae), Labcorp
Classification: Pathogenic for Dextro-looped transposition of the great arteries. Last evaluated: 2024-01-27. Review status: criteria provided, single submitter. Criteria: Invitae Variant Classification Sherloc (09022015). Collection method: clinical testing. Allele origin: germline.
Comment: This sequence change creates a premature translational stop signal (p.Gln704*) in the MED13L gene. It is expected to result in an absent or disrupted protein product. Loss-of-function variants in MED13L are known to be pathogenic (PMID: 25712080, 25758992). This variant is not present in population databases (gnomAD no frequency). This variant has not been reported in the literature in individuals affected with MED13L-related conditions. For these reasons, this variant has been classified as Pathogenic.

Clinical Genetics Service, Universitary Hospital 12 de Octubre
Classification: Pathogenic for Cardiac anomalies - developmental delay - facial dysmorphism syndrome. Review status: criteria provided, single submitter. Criteria: ACMG Guidelines, 2015. Collection method: clinical testing. Allele origin: de novo. Affected: yes.

Literature cited by the submitters: PubMed 25712080 (cited by Labcorp Genetics (formerly Invitae), Labcorp); PubMed 25758992 (cited by Labcorp Genetics (formerly Invitae), Labcorp).

NM_015335.5(MED13L):c.2110C>T (p.Gln704Ter)

Gene: MED13L (mediator complex subunit 13L; minus strand). Cytogenetic location: 12q24.21.
Variant type: single nucleotide variant.
Coding change: c.2110C>T on transcript NM_015335.5 (MANE Select); coding-DNA position 2110, C replaced by T.
Protein change: p.Gln704Ter; replaces glutamine 704 with a stop codon.
Molecular consequence: nonsense.
Genome position (GRCh38, 1-based): chr12:116,007,539, G>A on the plus strand (C>T on the coding strand, the complement: MED13L is on the minus strand). VCF-style: chr12-116007539-G-A. GRCh37 (hg19) VCF-style: chr12-116445344-G-A.
Other names: c.2110C>T (NM_015335.4); short protein forms Q704*.
Identifiers: ClinVar variation 2842211 (VCV002842211.4), dbSNP rs2499906294, ClinGen allele CA386894510.